The following is an entry in ClinVar:

ClinVar aggregate classification (germline): Uncertain significance (1 of 4 stars; one submission).

Conditions:
Inflammatory bowel disease 25. Also called: Inflammatory bowel disease 25, early onset, autosomal recessive. Identifiers: Orphanet 238569, MedGen C2675508, MONDO:0012941, OMIM 612567.

Allele frequency attached by ClinVar (database versions not stated): gnomAD exomes below 0.00001.

Submission:

Labcorp Genetics (formerly Invitae), Labcorp
Classification: Uncertain significance for Inflammatory bowel disease 25. Last evaluated: 2020-02-22. Review status: criteria provided, single submitter. Criteria: Invitae Variant Classification Sherloc (09022015). Collection method: clinical testing. Allele origin: germline.
Comment: This variant has not been reported in the literature in individuals with IL10RB-related conditions. In summary, the available evidence is currently insufficient to determine the role of this variant in disease. Therefore, it has been classified as a Variant of Uncertain Significance. Algorithms developed to predict the effect of missense changes on protein structure and function output the following: SIFT: "Tolerated"; PolyPhen-2: "Benign"; Align-GVGD: "Class C0". The arginine amino acid residue is found in multiple mammalian species, suggesting that this missense change does not adversely affect protein function. These predictions have not been confirmed by published functional studies and their clinical significance is uncertain. This variant is not present in population databases (ExAC no frequency). This sequence change replaces lysine with arginine at codon 306 of the IL10RB protein (p.Lys306Arg). The lysine residue is weakly conserved and there is a small physicochemical difference between lysine and arginine.

NM_000628.5(IL10RB):c.917A>G (p.Lys306Arg)

Genes: IFNAR2-IL10RB (IFNAR2-IL10RB readthrough; plus strand), IL10RB (interleukin 10 receptor subunit beta; plus strand). Cytogenetic location: 21q22.11.
Variant type: single nucleotide variant.
Coding change: c.917A>G on transcript NM_000628.5 (MANE Select); coding-DNA position 917, A replaced by G.
Protein change: p.Lys306Arg; replaces lysine 306 with arginine.
Molecular consequence: missense variant.
Genome position (GRCh38, 1-based): chr21:33,296,296, A>G. VCF-style: chr21-33296296-A-G. GRCh37 (hg19) VCF-style: chr21-34668601-A-G.
Other names: short protein forms K306R.
Identifiers: ClinVar variation 970586 (VCV000970586.10), dbSNP rs2082965718, ClinGen allele CA410096843.
Genomic context (GRCh38, chr21:33,296,296, plus strand): 5'-CGGATGAGAATGATGTTTTTGACAAGCTAAGTGTCATTGCAGAAGACTCTGAGAGCGGCA[A>G]GCAGAATCCTGGTGACAGCTGCAGCCTCGGGACCCCGCCTGGGCAGGGGCCCCAAAGCTA-3'
Protein context (NP_000619.3, residues 296-316): SVIAEDSESG[Lys306Arg]QNPGDSCSLG